The following is an entry in ClinVar:

NM_016955.4(SEPSECS):c.441_445dup (p.Thr149delinsIleTer)

Gene: SEPSECS (Sep (O-phosphoserine) tRNA:Sec (selenocysteine) tRNA synthase; minus strand). Cytogenetic location: 4p15.2.
Variant type: Duplication.
Coding change: c.441_445dup on transcript NM_016955.4 (MANE Select); coding-DNA positions 441 to 445, 5 bases duplicated (TCTAA; older notation c.441_445dupTCTAA).
Protein change: p.Thr149delinsIleTer.
Molecular consequence: nonsense.
Genome position (GRCh38, 1-based): chr4:25,156,139-25,156,143, TTAGA duplicated on the plus strand (TCTAA on the coding strand, the reverse complement: SEPSECS is on the minus strand). VCF-style (leftmost placement, unchanged base first): chr4-25156138-G-GTTAGA. GRCh37 (hg19) VCF-style: chr4-25157760-G-GTTAGA.
Other names: c.696_700dup, p.Thr234delinsIleTer (NM_001410714.1).
Identifiers: ClinVar variation 5003564 (VCV005003564.1).

ClinVar aggregate classification (germline): Pathogenic (1 of 4 stars; one submission).

Conditions:
Pontocerebellar hypoplasia type 2D (PCH2D). Also called: Progressive cerebello-cerebral atrophy. Identifiers: Orphanet 247198, Orphanet 2524, MedGen C3151140, MONDO:0013438, OMIM 613811.

Submission:

Myriad Genetics, Inc.
Classification: Pathogenic for Pontocerebellar hypoplasia type 2D. Last evaluated: 2025-12-23. Review status: criteria provided, single submitter. Criteria: Myriad Autosomal Dominant, Autosomal Recessive and X-Linked Classification Criteria (2023). Collection method: clinical testing. Allele origin: unknown.
Comment: NM_016955.3(SEPSECS):c.441_445dup5(T149Ifs*2) is a frameshift variant classified as pathogenic in the context of pontocerebellar hypoplasia, SEPSECS-related. T149Ifs*2 has not been observed in cases with relevant disease. Relevant functional assessments of this variant are not available in the literature. T149Ifs*2 has not been observed in referenced population frequency databases. In summary, NM_016955.3(SEPSECS):c.441_445dup5(T149Ifs*2) is a frameshift variant in a gene where loss of function is a known mechanism of disease and is predicted to disrupt protein function. Please note: this variant was assessed in the context of healthy population screening.